The following is an entry in ClinVar:

ClinVar aggregate classification (germline): Benign. Review status: criteria provided, multiple submitters, no conflicts (2 of 4 stars). 8 submissions from 7 submitters: Benign (8). Last evaluated 2026-01-29.

Conditions:
Charcot-Marie-Tooth disease. Also called: Charcot-Marie-Tooth Neuropathy; Charcot-Marie-Tooth Hereditary Neuropathy. Identifiers: Orphanet 166, MedGen C0007959, MONDO:0015626.
Charcot-Marie-Tooth disease type 2. Also called: Charcot-Marie-Tooth type 2. Identifiers: Orphanet 64746, MedGen C0270914, MONDO:0018993.
Hereditary motor and sensory neuropathy with optic atrophy. Also called: PERIPHERAL NEUROPATHY AND OPTIC ATROPHY; CHARCOT-MARIE-TOOTH DISEASE, TYPE 6. Identifiers: Orphanet 90120, MedGen C0393807, MONDO:0019551.

Allele frequency attached by ClinVar (database versions not stated): ESP Exome Variant Server 0.01215; 1000 Genomes Project 30x 0.01405; gnomAD 0.01362; 1000 Genomes Project 0.01398; TOPMed 0.01454.
gnomAD v4.1: 3,891 of 1,614,036 alleles (0.24%); highest among the groups gnomAD compares: African/African-American, 4.3%; 54 homozygotes.

Submissions (10):

Labcorp Genetics (formerly Invitae), Labcorp
Classification: Benign for Charcot-Marie-Tooth disease type 2. Last evaluated: 2026-01-29. Review status: criteria provided, single submitter. Criteria: Invitae Variant Classification Sherloc (09022015). Collection method: clinical testing. Allele origin: germline.

ARUP Laboratories, Molecular Genetics and Genomics, ARUP Laboratories
Classification: Benign. Last evaluated: 2024-10-15. Review status: criteria provided, single submitter. Criteria: ARUP Molecular Germline Variant Investigation Process 2024. Collection method: clinical testing. Allele origin: germline.

Illumina Laboratory Services, Illumina
Classification: Benign for Neuropathy, hereditary motor and sensory, type 6A. Last evaluated: 2018-01-12. Review status: criteria provided, single submitter. Criteria: ICSL Variant Classification Criteria 13 December 2019. Collection method: clinical testing. Allele origin: germline.
Comment: This variant was observed in the ICSL laboratory as part of a predisposition screen in an ostensibly healthy population. It had not been previously curated by ICSL or reported in the Human Gene Mutation Database (HGMD: prior to June 1st, 2018), and was therefore a candidate for classification through an automated scoring system. Utilizing variant allele frequency, disease prevalence and penetrance estimates, and inheritance mode, an automated score was calculated to assess if this variant is too frequent to cause the disease. Based on the score and internal cut-off values, a variant classified as benign is not then subjected to further curation. The score for this variant resulted in a classification of benign for this disease.

Illumina Laboratory Services, Illumina
Classification: Benign for Charcot-Marie-Tooth disease, type 2. Last evaluated: 2018-01-12. Review status: criteria provided, single submitter. Criteria: ICSL Variant Classification Criteria 13 December 2019. Collection method: clinical testing. Allele origin: germline.
Comment: the same text as in the submission from Illumina Laboratory Services, Illumina above.

Center for Pediatric Genomic Medicine, Children's Mercy Hospital and Clinics
Classification: Benign. Last evaluated: 2017-04-05. Review status: criteria provided, single submitter. Criteria: ACMG Guidelines, 2015. Collection method: clinical testing. Allele origin: germline.

GeneDx
Classification: Benign. Last evaluated: 2014-08-01. Review status: criteria provided, single submitter. Criteria: GeneDx Variant Classification (06012015). Collection method: clinical testing. Allele origin: germline. Affected: yes.
Comment: This variant is considered likely benign or benign based on one or more of the following criteria: it is a conservative change, it occurs at a poorly conserved position in the protein, it is predicted to be benign by multiple in silico algorithms, and/or has population frequency not consistent with disease.

Breakthrough Genomics
Classification: Benign. Review status: criteria provided, single submitter. Criteria: ACMG Guidelines, 2015. Collection method: not provided. Allele origin: germline. Inheritance: Autosomal recessive inheritance. Affected: yes.

Molecular Genetics Laboratory, London Health Sciences Centre
Classification: Benign for Charcot-Marie-Tooth disease. Review status: criteria provided, single submitter. Criteria: ACMG Guidelines, 2015. Collection method: clinical testing. Allele origin: germline. Affected: yes.

Dr. Peter K. Rogan Lab, Western University
No classification provided (evidence only). Condition: Lung cancer. Review status: no classification provided. Collection method: in vitro. Allele origin: not applicable. Functional consequence: retained intron. Not counted in ClinVar's aggregate classification.

Dr. Peter K. Rogan Lab, Western University
No classification provided (evidence only). Condition: Uterine corpus endometrial carcinoma. Review status: no classification provided. Collection method: in vitro. Allele origin: not applicable. Functional consequence: retained intron. Not counted in ClinVar's aggregate classification.

NM_014874.4(MFN2):c.2205-13C>A

Gene: MFN2 (mitofusin 2; plus strand). Cytogenetic location: 1p36.22.
Variant type: single nucleotide variant.
Coding change: c.2205-13C>A on transcript NM_014874.4 (MANE Select); 13 bases into the intron before coding-DNA position 2205, C replaced by A.
Molecular consequence: intron variant.
Genome position (GRCh38, 1-based): chr1:12,011,483, C>A. VCF-style: chr1-12011483-C-A. GRCh37 (hg19) VCF-style: chr1-12071540-C-A.
Other names: c.2205-13C>A (NM_001127660.2).
Identifiers: ClinVar variation 214638 (VCV000214638.26), dbSNP rs76020240, ClinGen allele CA321538.